The following is an entry in ClinVar:

ClinVar aggregate classification (germline): Conflicting classifications of pathogenicity. Review status: criteria provided, conflicting classifications (1 of 4 stars). 3 submissions from 3 submitters: Pathogenic (2); Uncertain significance (1). Last evaluated 2026-06-03.

Conditions:
Colorectal cancer, hereditary nonpolyposis, type 7. Identifiers: Orphanet 144, MedGen C1858380, MONDO:0013725, OMIM 614385.

Submissions (3):

Ambry Genetics
Classification: Pathogenic. Last evaluated: 2026-06-03. Review status: criteria provided, single submitter. Criteria: Ambry Variant Classification Scheme 2023. Collection method: clinical testing. Allele origin: germline.
Comment: The c.1988_1991delGTAA variant, located in coding exon 1 of the MLH3 gene, results from a deletion of 4 nucleotides at nucleotide positions 1988 to 1991, causing a translational frameshift with a predicted alternate stop codon (p.S663Kfs*16). This alteration is expected to result in loss of function by premature protein truncation or nonsense-mediated mRNA decay. As such, this alteration is interpreted as a disease-causing mutation.

Myriad Genetics, Inc.
Classification: Pathogenic for Colorectal cancer, hereditary nonpolyposis, type 7. Last evaluated: 2026-02-19. Review status: criteria provided, single submitter. Criteria: Myriad Autosomal Dominant, Autosomal Recessive and X-Linked Classification Criteria (2023). Collection method: clinical testing. Allele origin: unknown.
Comment: This variant is considered pathogenic. This variant creates a frameshift predicted to result in premature protein truncation.

Labcorp Genetics (formerly Invitae), Labcorp
Classification: Uncertain significance for Colorectal cancer, hereditary nonpolyposis, type 7. Last evaluated: 2022-09-09. Review status: criteria provided, single submitter. Criteria: Invitae Variant Classification Sherloc (09022015). Collection method: clinical testing. Allele origin: germline.
Comment: In summary, the available evidence is currently insufficient to determine the role of this variant in disease. Therefore, it has been classified as a Variant of Uncertain Significance. ClinVar contains an entry for this variant (Variation ID: 568518). This variant has not been reported in the literature in individuals affected with MLH3-related conditions. This variant is present in population databases (rs775792922, gnomAD no frequency). This sequence change creates a premature translational stop signal (p.Ser663Lysfs*16) in the MLH3 gene. It is expected to result in an absent or disrupted protein product. However, the current clinical and genetic evidence is not sufficient to establish whether loss-of-function variants in MLH3 cause disease.

NM_001040108.2(MLH3):c.1988_1991del (p.Ser663fs)

Gene: MLH3 (mutL homolog 3; minus strand). Cytogenetic location: 14q24.3.
Variant type: Deletion.
Coding change: c.1988_1991del on transcript NM_001040108.2 (MANE Select); coding-DNA positions 1988 to 1991, 4 bases deleted (GTAA; older notation c.1988_1991delGTAA).
Protein change: p.Ser663fs; shifts the reading frame from serine 663.
Molecular consequence: frameshift variant.
Genome position (GRCh38, 1-based): chr14:75,047,665-75,047,668, TTAC deleted on the plus strand (GTAA on the coding strand, the reverse complement: MLH3 is on the minus strand); deleting any 4 consecutive bases within chr14:75,047,665-75,047,671 gives the same sequence; the c. name uses the placement nearest the transcript's 3' end. VCF-style (leftmost placement, unchanged base first): chr14-75047664-TTTAC-T. GRCh37 (hg19) VCF-style: chr14-75514367-TTTAC-T.
Other names: c.1988_1991del, p.Ser663fs (NM_014381.3); c.1988_1991delGTAA (NM_001040108.1); short protein forms S663fs.
Identifiers: ClinVar variation 568518 (VCV000568518.12), dbSNP rs775792922, ClinGen allele CA7275782.
Genomic context (GRCh38, chr14:75,047,664, plus strand): 5'-CTCTAGCCCATAACTTATATTCGTTCTGCAATTTTTTTTGTTGGGCAATTGACCAGATTC[TTTAC>T]TTAAAGTGCTGGCTAAATCTTTGATGTCTGGAGTTTCAACTGAATGACGTGTTCTATTTC-3'